The following is an entry in ClinVar:

NM_133433.4(NIPBL):c.2756A>G (p.Lys919Arg)

Gene: NIPBL (NIPBL cohesin loading factor; plus strand). Cytogenetic location: 5p13.2.
Variant type: single nucleotide variant.
Coding change: c.2756A>G on transcript NM_133433.4 (MANE Select); coding-DNA position 2756, A replaced by G.
Protein change: p.Lys919Arg; replaces lysine 919 with arginine.
Molecular consequence: missense variant.
Genome position (GRCh38, 1-based): chr5:36,985,936, A>G. VCF-style: chr5-36985936-A-G. GRCh37 (hg19) VCF-style: chr5-36986038-A-G.
Other names: c.2756A>G, p.Lys919Arg (NM_001438586.1, NM_015384.5); short protein forms K919R.
Identifiers: ClinVar variation 4691764 (VCV004691764.2).
Genomic context (GRCh38, chr5:36,985,936, plus strand): 5'-ATTCTAATAAATCAAGATCTGATAAACTTGGTTTTAAATCACCAACTAGTAAAGATGACA[A>G]AAGGACAGAGGGTAACAAGAGTAAAGTAGACACTAATAAAGCACACCCTGACAATAAGGC-3'
Protein context (NP_597677.2, residues 909-929): GFKSPTSKDD[Lys919Arg]RTEGNKSKVD

ClinVar aggregate classification (germline): Conflicting classifications of pathogenicity. Review status: criteria provided, conflicting classifications (1 of 4 stars). 2 submissions from 2 submitters: Uncertain significance (1); Likely benign (1). Last evaluated 2025-12-30.

Conditions:
Cornelia de Lange syndrome 1 (CDLS1). Also called: TYPUS DEGENERATIVUS AMSTELODAMENSIS; Brachmann de Lange syndrome; NIPBL-Related Cornelia de Lange Syndrome. Identifiers: Orphanet 199, MedGen C4551851, MONDO:0007387, OMIM 122470.

gnomAD v4.1: 17 of 1,613,890 alleles (0.0011%); highest among the groups gnomAD compares: Middle Eastern, 0.016%; no homozygotes.

Submissions (2):

Labcorp Genetics (formerly Invitae), Labcorp
Classification: Uncertain significance for Cornelia de Lange syndrome 1. Last evaluated: 2025-12-30. Review status: criteria provided, single submitter. Criteria: Invitae Variant Classification Sherloc (09022015). Collection method: clinical testing. Allele origin: germline.
Comment: This sequence change replaces lysine, which is basic and polar, with arginine, which is basic and polar, at codon 919 of the NIPBL protein (p.Lys919Arg). This variant is present in population databases (rs755384710, gnomAD 0.006%). This variant has not been reported in the literature in individuals affected with NIPBL-related conditions. Invitae Evidence Modeling of protein sequence and biophysical properties (such as structural, functional, and spatial information, amino acid conservation, physicochemical variation, residue mobility, and thermodynamic stability) indicates that this missense variant is not expected to disrupt NIPBL protein function with a negative predictive value of 95%. In summary, the available evidence is currently insufficient to determine the role of this variant in disease. Therefore, it has been classified as a Variant of Uncertain Significance.

Blueprint Genetics
Classification: Likely benign. Last evaluated: 2024-01-09. Review status: criteria provided, single submitter. Criteria: ACMG Guidelines, 2015. Collection method: clinical testing. Allele origin: germline.